The following is an entry in ClinVar:

NM_019892.6(INPP5E):c.1319C>T (p.Thr440Ile)

Gene: INPP5E (inositol polyphosphate-5-phosphatase E; minus strand). Cytogenetic location: 9q34.3.
Variant type: single nucleotide variant.
Coding change: c.1319C>T on transcript NM_019892.6 (MANE Select); coding-DNA position 1319, C replaced by T.
Protein change: p.Thr440Ile; replaces threonine 440 with isoleucine.
Molecular consequence: missense variant.
Genome position (GRCh38, 1-based): chr9:136,432,547, G>A on the plus strand (C>T on the coding strand, the complement: INPP5E is on the minus strand). VCF-style: chr9-136432547-G-A. GRCh37 (hg19) VCF-style: chr9-139326999-G-A.
Other names: c.1316C>T, p.Thr439Ile (NM_001318502.2); short protein forms T439I, T440I.
Identifiers: ClinVar variation 934417 (VCV000934417.10), dbSNP rs1835732946, ClinGen allele CA375563502.

ClinVar aggregate classification (germline): Uncertain significance (1 of 4 stars; one submission).

Conditions:
Joubert syndrome. Also called: Familial aplasia of the vermis; CEREBELLOPARENCHYMAL DISORDER IV; JOUBERT-BOLTSHAUSER SYNDROME. Identifiers: Orphanet 475, MedGen C5979921, MONDO:0018772.

Submission:

Labcorp Genetics (formerly Invitae), Labcorp
Classification: Uncertain significance for Joubert syndrome. Last evaluated: 2025-04-16. Review status: criteria provided, single submitter. Criteria: Invitae Variant Classification Sherloc (09022015). Collection method: clinical testing. Allele origin: germline.
Comment: This sequence change replaces threonine, which is neutral and polar, with isoleucine, which is neutral and non-polar, at codon 440 of the INPP5E protein (p.Thr440Ile). This variant is not present in population databases (gnomAD no frequency). This variant has not been reported in the literature in individuals affected with INPP5E-related conditions. ClinVar contains an entry for this variant (Variation ID: 934417). Invitae Evidence Modeling of protein sequence and biophysical properties (such as structural, functional, and spatial information, amino acid conservation, physicochemical variation, residue mobility, and thermodynamic stability) has been performed for this missense variant. However, the output from this modeling did not meet the statistical confidence thresholds required to predict the impact of this variant on INPP5E protein function. In summary, the available evidence is currently insufficient to determine the role of this variant in disease. Therefore, it has been classified as a Variant of Uncertain Significance.